The following is an entry in ClinVar:

NM_001371623.1(TCOF1):c.1705-8C>A

Gene: TCOF1 (treacle ribosome biogenesis factor 1; plus strand). Cytogenetic location: 5q32.
Variant type: single nucleotide variant.
Coding change: c.1705-8C>A on transcript NM_001371623.1 (MANE Select); 8 bases into the intron before coding-DNA position 1705, C replaced by A.
Molecular consequence: intron variant.
Genome position (GRCh38, 1-based): chr5:150,375,713, C>A. VCF-style: chr5-150375713-C-A. GRCh37 (hg19) VCF-style: chr5-149755276-C-A.
Other names: c.1705-8C>A (NM_001135243.2, NM_001135244.2, NM_001195141.2 and 1 more transcripts); c.1474-8C>A (NM_001135245.2, NM_000356.4).
Identifiers: ClinVar variation 1311919 (VCV001311919.2), dbSNP rs1281192724, ClinGen allele CA2573052464.

ClinVar aggregate classification (germline): Uncertain significance (1 of 4 stars; one submission).

gnomAD v4.1: 1 of 1,614,142 alleles (0.000062%); highest among the groups gnomAD compares: East Asian, 0.0022%; no homozygotes.

Submission:

GeneDx
Classification: Uncertain significance. Last evaluated: 2020-01-15. Review status: criteria provided, single submitter. Criteria: GeneDx Variant Classification Process June 2021. Collection method: clinical testing. Allele origin: germline. Affected: yes.
Comment: Not observed in large population cohorts (Lek et al., 2016); Has not been previously published as pathogenic or benign to our knowledge; In silico analysis, which includes splice predictors and evolutionary conservation, suggests this variant may impact gene splicing. In the absence of RNA/functional studies, the actual effect of this sequence change is unknown.